The following is an entry in ClinVar:

ClinVar aggregate classification (germline): Uncertain significance. Review status: criteria provided, multiple submitters, no conflicts (2 of 4 stars). 2 submissions from 2 submitters: Uncertain significance (2). Last evaluated 2025-08-18.

Conditions:
Inborn genetic diseases. Identifiers: MedGen C0950123, MeSH D030342.

Allele frequency attached by ClinVar (database versions not stated): ExAC 0.00002; gnomAD 0.00003; TOPMed 0.00004; ESP Exome Variant Server 0.00015.
gnomAD v4.1: 77 of 1,613,962 alleles (0.0048%); highest among the groups gnomAD compares: Non-Finnish European, 0.0062%; no homozygotes.

Submissions (2):

Labcorp Genetics (formerly Invitae), Labcorp
Classification: Uncertain significance. Last evaluated: 2025-08-18. Review status: criteria provided, single submitter. Criteria: Invitae Variant Classification Sherloc (09022015). Collection method: clinical testing. Allele origin: germline.
Comment: This sequence change replaces valine, which is neutral and non-polar, with methionine, which is neutral and non-polar, at codon 135 of the HSPG2 protein (p.Val135Met). This variant is present in population databases (rs199623122, gnomAD 0.004%). This variant has not been reported in the literature in individuals affected with HSPG2-related conditions. ClinVar contains an entry for this variant (Variation ID: 2073109). An algorithm developed to predict the effect of missense changes on protein structure and function (PolyPhen-2) suggests that this variant is likely to be disruptive. In summary, the available evidence is currently insufficient to determine the role of this variant in disease. Therefore, it has been classified as a Variant of Uncertain Significance.

Ambry Genetics
Classification: Uncertain significance for Inborn genetic diseases. Last evaluated: 2025-02-14. Review status: criteria provided, single submitter. Criteria: Ambry Variant Classification Scheme 2023. Collection method: clinical testing. Allele origin: germline.

NM_005529.7(HSPG2):c.403G>A (p.Val135Met)

Gene: HSPG2 (heparan sulfate proteoglycan 2; minus strand). Cytogenetic location: 1p36.12.
Variant type: single nucleotide variant.
Coding change: c.403G>A on transcript NM_005529.7 (MANE Select); coding-DNA position 403, G replaced by A.
Protein change: p.Val135Met; replaces valine 135 with methionine.
Molecular consequence: missense variant.
Genome position (GRCh38, 1-based): chr1:21,890,437, C>T on the plus strand (G>A on the coding strand, the complement: HSPG2 is on the minus strand). VCF-style: chr1-21890437-C-T. GRCh37 (hg19) VCF-style: chr1-22216930-C-T.
Other names: c.403G>A, p.Val135Met (NM_001291860.2); c.403G>A (NM_005529.5); short protein forms V135M.
Identifiers: ClinVar variation 2073109 (VCV002073109.3), dbSNP rs199623122, ClinGen allele CA673897.